The following is an entry in ClinVar:

NM_003073.5(SMARCB1):c.946C>T (p.Arg316Trp)

Gene: SMARCB1 (SWI/SNF related BAF chromatin remodeling complex subunit B1; plus strand). Cytogenetic location: 22q11.23.
Variant type: single nucleotide variant.
Coding change: c.946C>T on transcript NM_003073.5 (MANE Select); coding-DNA position 946, C replaced by T.
Protein change: p.Arg316Trp; replaces arginine 316 with tryptophan.
Molecular consequence: missense variant.
Genome position (GRCh38, 1-based): chr22:23,825,375, C>T. VCF-style: chr22-23825375-C-T. GRCh37 (hg19) VCF-style: chr22-24167562-C-T.
Other names: c.946C>T (LRG_520t1); c.919C>T, p.Arg307Trp (NM_001007468.3); c.973C>T, p.Arg325Trp (NM_001317946.2); c.1000C>T, p.Arg334Trp (NM_001362877.2); short protein forms R316W, R307W, R325W, R334W.
Identifiers: ClinVar variation 464341 (VCV000464341.13), dbSNP rs769023941, ClinGen allele CA10146077.
Genomic context (GRCh38, chr22:23,825,375, plus strand): 5'-AAGCTGTGCTCGGAGCTGGGGTTGGGCGGGGAGTTTGTCACCACCATCGCATACAGCATC[C>T]GGGGACAGCTGAGCTGGCATCAGAAGACCTACGCCTTCAGGTAGGATCATGCATGAGTCT-3'
Protein context (NP_003064.2, residues 306-326): EFVTTIAYSI[Arg316Trp]GQLSWHQKTY

ClinVar aggregate classification (germline): Uncertain significance. Review status: criteria provided, multiple submitters, no conflicts (2 of 4 stars). 3 submissions from 3 submitters: Uncertain significance (3). Last evaluated 2025-10-21.

Conditions:
Hereditary cancer-predisposing syndrome. Also called: Neoplastic Syndromes, Hereditary; Tumor predisposition; Hereditary Cancer Syndrome; Hereditary neoplastic syndrome. Identifiers: Orphanet 140162, MedGen C0027672, MeSH D009386, MONDO:0015356.

Allele frequency attached by ClinVar (database versions not stated): TOPMed below 0.00001; gnomAD exomes 0.00001; ExAC 0.00002.

Submissions (3):

Labcorp Genetics (formerly Invitae), Labcorp
Classification: Uncertain significance. Last evaluated: 2025-10-21. Review status: criteria provided, single submitter. Criteria: Invitae Variant Classification Sherloc (09022015). Collection method: clinical testing. Allele origin: germline.
Comment: This sequence change replaces arginine, which is basic and polar, with tryptophan, which is neutral and slightly polar, at codon 316 of the SMARCB1 protein (p.Arg316Trp). This variant is present in population databases (rs769023941, gnomAD 0.002%). This variant has not been reported in the literature in individuals affected with SMARCB1-related conditions. ClinVar contains an entry for this variant (Variation ID: 464341). Invitae Evidence Modeling of protein sequence and biophysical properties (such as structural, functional, and spatial information, amino acid conservation, physicochemical variation, residue mobility, and thermodynamic stability) indicates that this missense variant is expected to disrupt SMARCB1 protein function with a positive predictive value of 80%. In summary, the available evidence is currently insufficient to determine the role of this variant in disease. Therefore, it has been classified as a Variant of Uncertain Significance.

Ambry Genetics
Classification: Uncertain significance for Hereditary cancer-predisposing syndrome. Last evaluated: 2025-01-20. Review status: criteria provided, single submitter. Criteria: Ambry Variant Classification Scheme 2023. Collection method: clinical testing. Allele origin: germline.
Comment: The p.R316W variant (also known as c.946C>T), located in coding exon 7 of the SMARCB1 gene, results from a C to T substitution at nucleotide position 946. The arginine at codon 316 is replaced by tryptophan, an amino acid with dissimilar properties. This variant has been detected in multiple individuals with no reported features of Coffin-Siris syndrome (Ambry internal data). This amino acid position is highly conserved in available vertebrate species. In addition, this alteration is predicted to be deleterious by in silico analysis. Based on the available evidence, the clinical significance of this variant remains unclear.

Sema4
Classification: Uncertain significance for Hereditary cancer-predisposing syndrome. Last evaluated: 2022-02-07. Review status: criteria provided, single submitter. Criteria: Sema4 Curation Guidelines. Collection method: curation. Allele origin: germline.
Comment: To the best of our knowledge, the SMARCB1 c.946C>T (p.R316W) variant has not been reported in individuals with SMARCB1-related disease. It was observed in 2/113682 chromosomes of the Non-Finnish European subpopulation in the large and broad cohorts of the Genome Aggregation Database (PMID: 32461654). This variant has been reported in ClinVar (Variation ID 464341). In silico tools suggest the impact of the variant on protein function is deleterious, though these predictions have not been confirmed by functional studies. The evidence is insufficient to meet ACMG/AMP criteria for classifying the variant as benign or pathogenic. Thus, the clinical significance of this variant is currently uncertain.